The following is an entry in ClinVar:

NM_000404.4(GLB1):c.1445G>A (p.Arg482His)

Gene: GLB1 (galactosidase beta 1; minus strand). Cytogenetic location: 3p22.3.
Variant type: single nucleotide variant.
Coding change: c.1445G>A on transcript NM_000404.4 (MANE Select); coding-DNA position 1445, G replaced by A.
Protein change: p.Arg482His; replaces arginine 482 with histidine.
Molecular consequence: missense variant.
Genome position (GRCh38, 1-based): chr3:33,016,743, C>T on the plus strand (G>A on the coding strand, the complement: GLB1 is on the minus strand). VCF-style: chr3-33016743-C-T. GRCh37 (hg19) VCF-style: chr3-33058235-C-T.
Other names: c.1355G>A, p.Arg452His (NM_001079811.3); c.1052G>A, p.Arg351His (NM_001135602.3); c.1589G>A, p.Arg530His (NM_001317040.2); c.1445G>A, p.Arg482His (NM_001393580.1); short protein forms R482H, R351H, R452H, R530H.
Identifiers: ClinVar variation 932 (VCV000000932.22), dbSNP rs72555391, ClinGen allele CA114644.
Genomic context (GRCh38, chr3:33,016,743, plus strand): 5'-AGTCTTGACAGTGTGGTTTGTCCTACCTTAAAATCGTTGATATATGCACCATAGTTCACA[C>T]GTCCCATGTTCTCTACCAGAAGGTCCAGAGTGGCTCCAGCTTTCCCTGTTATGTTCAGAG-3'
Protein context (NP_000395.3, residues 472-492): TLDLLVENMG[Arg482His]VNYGAYINDF

ClinVar aggregate classification (germline): Pathogenic. Review status: criteria provided, multiple submitters, no conflicts (2 of 4 stars). 10 submissions from 9 submitters: Pathogenic (7). 3 of the submissions do not count toward it. Last evaluated 2025-11-16.

Conditions:
Mucopolysaccharidosis, MPS-IV-B (MPS4B). Also called: MPS IVB; Mucopolysaccharidosis type IV B; Mucopolysaccharidosis Type IVB (Morquio B Disease); MORQUIO SYNDROME B; Mucopolysaccharidosis Type IVB; Mucopolysaccharidosis type 4B. Identifiers: Orphanet 309310, Orphanet 582, MedGen C0086652, MONDO:0009660, OMIM 253010.
GM1 gangliosidosis type 2. Also called: GANGLIOSIDOSIS, GENERALIZED GM1, JUVENILE TYPE; GANGLIOSIDOSIS, GENERALIZED GM1, TYPE II; Gangliosidosis, Generalized GM1, Type 2; Juvenile GM>1< gangliosidosis; GM1-GANGLIOSIDOSIS, TYPE II. Identifiers: Orphanet 354, Orphanet 79256, MedGen C0268272, MONDO:0009261, OMIM 230600.
Infantile GM1 gangliosidosis. Also called: GM1-gangliosidosis, type I; Gangliosidosis, generalized GM1, infantile form; GLB1 deficiency; Gangliosidosis, Generalized GM1, Type 1; GM1 gangliosidosis type 1. Identifiers: Orphanet 354, Orphanet 79255, MedGen C0268271, MONDO:0009260, OMIM 230500.
GM1 gangliosidosis type 3. Also called: GANGLIOSIDOSIS, GENERALIZED GM1, ADULT TYPE; GANGLIOSIDOSIS, GENERALIZED GM1, CHRONIC TYPE; GANGLIOSIDOSIS, GENERALIZED GM1, TYPE III; Gangliosidosis, Generalized GM1, Type 3; GM1-GANGLIOSIDOSIS, TYPE III; Beta-galactosidase deficiency. Identifiers: Orphanet 79257, MedGen C0268273, MONDO:0009262, OMIM 230650.
GM1 gangliosidosis. Identifiers: Orphanet 354, MedGen C0085131, MONDO:0018149.

Allele frequency attached by ClinVar (database versions not stated): gnomAD exomes 0.00001; ExAC 0.00001; gnomAD 0.00002; TOPMed 0.00004.
gnomAD v4.1: 31 of 1,613,990 alleles (0.0019%); highest among the groups gnomAD compares: Admixed American, 0.005%; no homozygotes.

Submissions (10):

Labcorp Genetics (formerly Invitae), Labcorp
Classification: Pathogenic for Mucopolysaccharidosis, MPS-IV-B; GM1 gangliosidosis. Last evaluated: 2025-11-16. Review status: criteria provided, single submitter. Criteria: Invitae Variant Classification Sherloc (09022015). Collection method: clinical testing. Allele origin: germline.
Comment: This sequence change replaces arginine, which is basic and polar, with histidine, which is basic and polar, at codon 482 of the GLB1 protein (p.Arg482His). This variant is present in population databases (rs72555391, gnomAD 0.006%). This missense change has been observed in individual(s) with GLB1-related conditions (PMID: 1928092, 15943552). It has also been observed to segregate with disease in related individuals. ClinVar contains an entry for this variant (Variation ID: 932). Invitae Evidence Modeling of protein sequence and biophysical properties (such as structural, functional, and spatial information, amino acid conservation, physicochemical variation, residue mobility, and thermodynamic stability) indicates that this missense variant is expected to disrupt GLB1 protein function with a positive predictive value of 95%. Experimental studies have shown that this missense change affects GLB1 function (PMID: 15943552). For these reasons, this variant has been classified as Pathogenic.

Natera, Inc.
Classification: Pathogenic for Mucopolysaccharidosis, MPS-IV-B. Last evaluated: 2025-09-23. Review status: criteria provided, single submitter. Criteria: Natera Variant Classification Schema (03/2026). Collection method: clinical testing. Allele origin: germline.
Comment: The c.1445G>A variant in GLB1 is a missense variant predicted to cause substitution of arginine to histidine at amino acid 482. This variant is rare in the general population with a frequency below the threshold expected for the associated phenotype(s). This variant has been observed in one or more individuals affected with the associated recessive disease, as either homozygous or compound heterozygous with a second variant (PMID: 21520340, 17221873, 15943552). Computational prediction algorithms indicate this variant is likely to affect gene or protein function. Given the available evidence, this variant is classified as Pathogenic.

GeneDx
Classification: Pathogenic. Last evaluated: 2025-06-07. Review status: criteria provided, single submitter. Criteria: GeneDx Variant Classification Process June 2021. Collection method: clinical testing. Allele origin: germline. Affected: yes.
Comment: Published functional studies demonstrate that this variant results in almost no residual enzymatic activity (PMID: 15714521); In silico analysis supports that this missense variant has a deleterious effect on protein structure/function; Not observed at significant frequency in large population cohorts (gnomAD); This variant is associated with the following publications: (PMID: 15714521, 15943552, 7586649, 1487238, 11511921, 1928092, 16538002, 22128166, 8500799, 21520340, 18353697, 15365997, 17221873, 21497194, 10737981, 34426522, 32779865, 25936995)

Fulgent Genetics
Classification: Pathogenic for Infantile GM1 gangliosidosis; GM1 gangliosidosis type 2; GM1 gangliosidosis type 3; Mucopolysaccharidosis, MPS-IV-B. Last evaluated: 2024-06-18. Review status: criteria provided, single submitter. Criteria: ACMG Guidelines, 2015. Collection method: clinical testing. Allele origin: germline.

Victorian Clinical Genetics Services, Murdoch Childrens Research Institute
Classification: Pathogenic for Infantile GM1 gangliosidosis. Last evaluated: 2020-10-19. Review status: criteria provided, single submitter. Criteria: ACMG Guidelines, 2015. Collection method: clinical testing. Allele origin: germline. Inheritance: Autosomal recessive inheritance.
Comment: Based on the classification scheme VCGS_Germline_v1.3.3, this variant is classified as Pathogenic. Following criteria are met: 0102 - Loss of function is a known mechanism of disease in this gene and is associated with Type I GM1-gangliosidosis (MIM#230500). (I) 0106 - This gene is associated with autosomal recessive disease. (I) 0200 - Variant is predicted to result in a missense amino acid change from arginine to histidine. (I) 0251 - This variant is heterozygous. (I) 0304 - Variant is present in gnomAD <0.01 for a recessive condition (v2: 3 heterozygotes, 0 homozygotes). (SP) 0309 - An alternative amino acid change at the same position has been observed in gnomAD (v2) (2 heterozygotes, 0 homozygotes). (I) 0501 - Missense variant consistently predicted to be damaging by multiple in silico tools or highly conserved with a major amino acid change. (SP) 0600 - Variant is located in the annotated ß domain 1 (PMID: 25936995). (I) 0801 - This variant has strong previous evidence of pathogenicity in unrelated individuals. At least 10 type I GM1-gangliosidosis (MIM#230500) patients have been reported to be either homozygous or compound heterozygous for this variant (ClinVar; PMID: 10737981, 15943552, 15714521, 17221873, 25936995). (SP) 1201 - Heterozygous variant detected in trans with a second pathogenic heterozygous variant (NM_000404.3:c.1480-2A>G) in a recessive disease.

Women's Health and Genetics/Laboratory Corporation of America, LabCorp
Classification: Pathogenic for GM1 gangliosidosis. Last evaluated: 2016-08-09. Review status: criteria provided, single submitter. Criteria: LabCorp Variant Classification Summary - May 2015. Collection method: clinical testing. Allele origin: germline.
Comment: Variant summary: The GLB1 c.1445G>A (p.Arg482His) variant involves the alteration of a conserved nucleotide. 3/4 in silico tools predict a damaging outcome for this variant (SNPs&GO not captured due to low reliability index). This variant was found in 1/120872 control chromosomes at a frequency of 0.0000083, which does not exceed the estimated maximal expected allele frequency of a pathogenic GLB1 variant (0.0020412). This variant has been reported in multiple patients with Morquio B disease and Gm1-gangliosidosis. Functional testing showed that variant allele with non-detectable enzyme activity. In addition, multiple clinical diagnostic laboratories/reputable databases classified this variant as pathogenic. Taken together, this variant is classified as pathogenic.

Eurofins Ntd Llc (ga)
Classification: Pathogenic. Last evaluated: 2014-03-14. Review status: criteria provided, single submitter. Criteria: EGL Classification Definitions. Collection method: clinical testing. Allele origin: germline. Observed: 7 variant alleles, 7 heterozygotes.

Counsyl
Classification: Pathogenic for Mucopolysaccharidosis, MPS-IV-B. Last evaluated: 2018-02-13. Review status: no assertion criteria provided. Collection method: clinical testing. Allele origin: unknown. Not counted in ClinVar's aggregate classification.

OMIM
Classification: Pathogenic for MUCOPOLYSACCHARIDOSIS, TYPE IVB. Last evaluated: 1993-05-01. Review status: no assertion criteria provided. Collection method: literature only. Allele origin: germline. Not counted in ClinVar's aggregate classification.

OMIM
Classification: Pathogenic for GM1-GANGLIOSIDOSIS, TYPE I. Last evaluated: 1993-05-01. Review status: no assertion criteria provided. Collection method: literature only. Allele origin: germline. Not counted in ClinVar's aggregate classification.

Literature cited by the submitters: PubMed 1928092 (cited by 3 submitters); PubMed 15943552 (cited by 4 submitters); PubMed 21520340 (cited by Natera, Inc. and Counsyl); PubMed 17221873 (cited by 3 submitters); PubMed 10737981 (cited by Victorian Clinical Genetics Services, Murdoch Childrens Research Institute); PubMed 15714521 (cited by Victorian Clinical Genetics Services, Murdoch Childrens Research Institute and Counsyl); PubMed 25936995 (cited by Victorian Clinical Genetics Services, Murdoch Childrens Research Institute and Counsyl); PubMed 1487238 (cited by Women's Health and Genetics/Laboratory Corporation of America, LabCorp and OMIM); PubMed 22128166 (cited by Counsyl); PubMed 21497194 (cited by Counsyl); PubMed 15365997 (cited by Counsyl); PubMed 7586649 (cited by Counsyl); PubMed 8500799 (cited by OMIM).